The following is an entry in ClinVar:

NM_003031.4(SIAH1):c.280G>A (p.Val94Ile)

Genes: LONP2 (lon peptidase 2, peroxisomal; plus strand), SIAH1 (siah E3 ubiquitin protein ligase 1; minus strand). Cytogenetic location: 16q12.1.
Variant type: single nucleotide variant.
Coding change: c.280G>A on transcript NM_003031.4 (MANE Select); coding-DNA position 280, G replaced by A.
Protein change: p.Val94Ile; replaces valine 94 with isoleucine.
Molecular consequence: missense variant. On other transcripts: 3 prime UTR variant (1).
Genome position (GRCh38, 1-based): chr16:48,362,149, C>T on the plus strand (G>A on the coding strand, the complement: SIAH1 is on the minus strand). VCF-style: chr16-48362149-C-T. GRCh37 (hg19) VCF-style: chr16-48396060-C-T.
Other names: c.373G>A, p.Val125Ile (NM_001006610.2); c.*553C>T (NM_001348078.2); short protein forms V94I, V125I.
Identifiers: ClinVar variation 4987877 (VCV004987877.1).

ClinVar aggregate classification (germline): Uncertain significance (1 of 4 stars; one submission).

Conditions:
SIAH1-related condition.

gnomAD v4.1: 1 of 1,614,172 alleles (0.000062%); highest among the groups gnomAD compares: Non-Finnish European, 0.000085%; no homozygotes.

Submission:

PreventionGenetics, part of Exact Sciences
Classification: Uncertain significance for SIAH1-related condition. Last evaluated: 2024-10-11. Review status: criteria provided, single submitter. Criteria: ACMG Guidelines, 2015. Collection method: clinical testing. Allele origin: germline.
Comment: The SIAH1 c.373G>A variant is predicted to result in the amino acid substitution p.Val125Ile. To our knowledge, this variant has not been reported in the literature or in a large population database (gnomAD), indicating this variant is rare. At this time, the clinical significance of this variant is uncertain due to the absence of conclusive functional and genetic evidence.